The following is an entry in ClinVar:

ClinVar aggregate classification (germline): Likely benign. Review status: criteria provided, single submitter (1 of 4 stars). 2 submissions from 2 submitters: Likely benign (1). 1 of the submissions does not count toward it. Last evaluated 2024-04-18.

Conditions:
ATP1A3-related disorder. Also called: ATP1A3-related condition; ATP1A3-related disorders. Identifiers: MedGen CN381097.
Dystonia 12 (DYT12). Also called: DYT-ATP1A3; Rapid-Onset Dystonia-Parkinsonism (RDP). Identifiers: Orphanet 71517, MedGen C1868681, MONDO:0007496, OMIM 128235.

gnomAD v4.1: 24 of 1,613,918 alleles (0.0015%); highest among the groups gnomAD compares: South Asian, 0.0099%; no homozygotes.

Submissions (2):

Labcorp Genetics (formerly Invitae), Labcorp
Classification: Likely benign for Dystonia 12. Last evaluated: 2024-04-18. Review status: criteria provided, single submitter. Criteria: Invitae Variant Classification Sherloc (09022015). Collection method: clinical testing. Allele origin: germline.

PreventionGenetics, part of Exact Sciences
Classification: Likely benign for ATP1A3-related condition. Last evaluated: 2024-03-05. Review status: no assertion criteria provided. Collection method: clinical testing. Allele origin: germline. Not counted in ClinVar's aggregate classification.
Comment: This variant is classified as likely benign based on ACMG/AMP sequence variant interpretation guidelines (Richards et al. 2015 PMID: 25741868, with internal and published modifications).

NM_152296.5(ATP1A3):c.2139C>T (p.Pro713=)

Gene: ATP1A3 (ATPase Na+/K+ transporting subunit alpha 3; minus strand). Cytogenetic location: 19q13.2.
Variant type: single nucleotide variant.
Coding change: c.2139C>T on transcript NM_152296.5 (MANE Select); coding-DNA position 2139, C replaced by T.
Protein change: p.Pro713=; no amino-acid change (proline 713 retained).
Molecular consequence: synonymous variant.
Genome position (GRCh38, 1-based): chr19:41,975,753, G>A on the plus strand (C>T on the coding strand, the complement: ATP1A3 is on the minus strand). VCF-style: chr19-41975753-G-A. GRCh37 (hg19) VCF-style: chr19-42479905-G-A.
Other names: c.2178C>T (NM_001256214.1); c.2172C>T, p.Pro724= (NM_001256213.2); c.2178C>T, p.Pro726= (NM_001256214.2).
Identifiers: ClinVar variation 1623474 (VCV001623474.10), dbSNP rs141362710, ClinGen allele CA9467455.